The following is an entry in ClinVar:

NM_000059.4(BRCA2):c.7007+1158dup

Gene: BRCA2 (BRCA2 DNA repair associated; plus strand). Cytogenetic location: 13q13.1.
Variant type: Duplication.
Coding change: c.7007+1158dup on transcript NM_000059.4 (MANE Select); 1158 bases into the intron after coding-DNA position 7007, one base duplicated (A; older notation c.7007+1158dupA).
Molecular consequence: intron variant.
Genome position (GRCh38, 1-based): chr13:32,348,054, A duplicated; the last of 6 consecutive A bases (chr13:32,348,049-32,348,054); duplicating any one gives the same sequence. VCF-style (leftmost placement, unchanged base first): chr13-32348048-G-GA. GRCh37 (hg19) VCF-style: chr13-32922185-G-GA.
Other names: IVS 13+1152insA; c.7007+1152_7007+1153insA (NM_000059.3).
Identifiers: ClinVar variation 209725 (VCV000209725.1), dbSNP rs199754711, ClinGen allele CA276693.

ClinVar aggregate classification (germline): Benign (3 of 4 stars; one submission).

Conditions:
Breast-ovarian cancer, familial, susceptibility to, 2 (BROVCA2). Also called: BRCA2 Hereditary Breast and Ovarian Cancer. Identifiers: Orphanet 145, MedGen C2675520, MONDO:0012933, OMIM 612555. Disease mechanism: loss of function.

Submission:

Evidence-based Network for the Interpretation of Germline Mutant Alleles (ENIGMA)
Classification: Benign for Breast-ovarian cancer, familial 2. Last evaluated: 2015-01-12. Review status: reviewed by expert panel. Criteria: ENIGMA BRCA1/2 Classification Criteria (2015). Collection method: curation. Allele origin: germline.
Comment: Class 1 not pathogenic based on frequency >1% in an outbred sampleset. Frequency 0.03 (African), derived from 1000 genomes (2012-04-30).